The following is an entry in ClinVar:

NM_020166.5(MCCC1):c.1732-9T>A

Gene: MCCC1 (methylcrotonyl-CoA carboxylase subunit 1; minus strand). Cytogenetic location: 3q27.1.
Variant type: single nucleotide variant.
Coding change: c.1732-9T>A on transcript NM_020166.5 (MANE Select); 9 bases into the intron before coding-DNA position 1732, T replaced by A.
Molecular consequence: intron variant.
Genome position (GRCh38, 1-based): chr3:183,022,563, A>T on the plus strand (T>A on the coding strand, the complement: MCCC1 is on the minus strand). VCF-style: chr3-183022563-A-T. GRCh37 (hg19) VCF-style: chr3-182740351-A-T.
Other names: c.1405-9T>A (NM_001363880.1); c.1381-9T>A (NM_001293273.2).
Identifiers: ClinVar variation 387148 (VCV000387148.9), dbSNP rs370660849, ClinGen allele CA2718666.

ClinVar aggregate classification (germline): Likely benign. Review status: criteria provided, multiple submitters, no conflicts (2 of 4 stars). 2 submissions from 2 submitters: Likely benign (2). Last evaluated 2024-03-25.

Conditions:
3-methylcrotonyl-CoA carboxylase 1 deficiency (MCC1D). Also called: METHYLCROTONYLGLYCINURIA TYPE I; MCCD TYPE 1; MCC 1 deficiency; 3 Alpha methylcrotonylglycinuria 1. Identifiers: Orphanet 6, MedGen CN028786, MONDO:0008861, OMIM 210200.

Allele frequency attached by ClinVar (database versions not stated): gnomAD exomes 0.00001 and 0.00002; ExAC 0.00003; ESP Exome Variant Server 0.00008; gnomAD 0.00011; TOPMed 0.00014.
gnomAD v4.1: 27 of 1,602,158 alleles (0.0017%); highest among the groups gnomAD compares: African/African-American, 0.034%; no homozygotes.

Submissions (2):

Labcorp Genetics (formerly Invitae), Labcorp
Classification: Likely benign for 3-methylcrotonyl-CoA carboxylase 1 deficiency. Last evaluated: 2024-03-25. Review status: criteria provided, single submitter. Criteria: Invitae Variant Classification Sherloc (09022015). Collection method: clinical testing. Allele origin: germline.

GeneDx
Classification: Likely benign. Last evaluated: 2016-07-13. Review status: criteria provided, single submitter. Criteria: GeneDx Variant Classification (06012015). Collection method: clinical testing. Allele origin: germline. Affected: yes.
Comment: This variant is considered likely benign or benign based on one or more of the following criteria: it is a conservative change, it occurs at a poorly conserved position in the protein, it is predicted to be benign by multiple in silico algorithms, and/or has population frequency not consistent with disease.